The following is an entry in ClinVar:

ClinVar aggregate classification (germline): Uncertain significance. Review status: criteria provided, multiple submitters, no conflicts (2 of 4 stars). 4 submissions from 4 submitters: Uncertain significance (4). Last evaluated 2025-05-05.

Conditions:
Perlman syndrome (PRLMNS). Identifiers: Orphanet 2849, MedGen C0796113, MONDO:0009965, OMIM 267000.
Inborn genetic diseases. Identifiers: MedGen C0950123, MeSH D030342.

Allele frequency attached by ClinVar (database versions not stated): TOPMed below 0.00001; gnomAD 0.00001 and 0.00002.
gnomAD v4.1: 45 of 1,613,932 alleles (0.0028%); highest among the groups gnomAD compares: Middle Eastern, 0.082%; no homozygotes.

Submissions (4):

Labcorp Genetics (formerly Invitae), Labcorp
Classification: Uncertain significance for Perlman syndrome. Last evaluated: 2025-05-05. Review status: criteria provided, single submitter. Criteria: Invitae Variant Classification Sherloc (09022015). Collection method: clinical testing. Allele origin: germline.
Comment: This sequence change replaces arginine, which is basic and polar, with serine, which is neutral and polar, at codon 222 of the DIS3L2 protein (p.Arg222Ser). This variant is present in population databases (rs751721861, gnomAD 0.03%). This variant has not been reported in the literature in individuals affected with DIS3L2-related conditions. ClinVar contains an entry for this variant (Variation ID: 410745). An algorithm developed to predict the effect of missense changes on protein structure and function outputs the following: PolyPhen-2: "Benign". The serine amino acid residue is found in multiple mammalian species, which suggests that this missense change does not adversely affect protein function. In summary, the available evidence is currently insufficient to determine the role of this variant in disease. Therefore, it has been classified as a Variant of Uncertain Significance.

Fulgent Genetics
Classification: Uncertain significance for Perlman syndrome. Last evaluated: 2024-02-22. Review status: criteria provided, single submitter. Criteria: ACMG Guidelines, 2015. Collection method: clinical testing. Allele origin: germline.

Ambry Genetics
Classification: Uncertain significance for Inborn genetic diseases. Last evaluated: 2023-08-04. Review status: criteria provided, single submitter. Criteria: Ambry Variant Classification Scheme 2023. Collection method: clinical testing. Allele origin: germline.

Sema4
Classification: Uncertain significance for Perlman syndrome. Last evaluated: 2021-08-26. Review status: criteria provided, single submitter. Criteria: Sema4 Curation Guidelines. Collection method: curation. Allele origin: germline.
Comment: The DIS3L2 c.666A>C (p.R222S) variant has not been reported in the literature to our knowledge. It was observed in 10/30570 chromosomes of the South Asian subpopulation, with no homozygotes, in the large and broad cohorts of the Genome Aggregation Database (PMID: 32461654). The variant has been reported in ClinVar (Variation ID 410745). In silico tools suggest the impact of the variant on protein function is benign, though these predictions have not been confirmed by functional studies. The evidence is insufficient to meet ACMG/AMP criteria for classifying the variant as benign or pathogenic. Thus, the clinical significance of this variant is currently uncertain.

NM_152383.5(DIS3L2):c.666A>C (p.Arg222Ser)

Gene: DIS3L2 (DIS3 like 3'-5' exoribonuclease 2; plus strand). Cytogenetic location: 2q37.1.
Variant type: single nucleotide variant.
Coding change: c.666A>C on transcript NM_152383.5 (MANE Select); coding-DNA position 666, A replaced by C.
Protein change: p.Arg222Ser; replaces arginine 222 with serine.
Molecular consequence: missense variant. On other transcripts: non-coding transcript variant (2).
Genome position (GRCh38, 1-based): chr2:232,130,683, A>C. VCF-style: chr2-232130683-A-C. GRCh37 (hg19) VCF-style: chr2-232995393-A-C.
Other names: c.666A>C, p.Arg222Ser (NM_001257281.2, NM_001257282.2); short protein forms R222S.
Identifiers: ClinVar variation 410745 (VCV000410745.13), dbSNP rs751721861, ClinGen allele CA2163892.